The following is an entry in ClinVar:

NM_181078.3(IL21R):c.1321C>A (p.Pro441Thr)

Genes: IL21R (interleukin 21 receptor; plus strand), IL21R-AS1 (IL21R antisense RNA 1; minus strand). Cytogenetic location: 16p12.1.
Variant type: single nucleotide variant.
Coding change: c.1321C>A on transcript NM_181078.3 (MANE Select); coding-DNA position 1321, C replaced by A.
Protein change: p.Pro441Thr; replaces proline 441 with threonine.
Molecular consequence: missense variant. On other transcripts: non-coding transcript variant (1).
Genome position (GRCh38, 1-based): chr16:27,448,987, C>A. VCF-style: chr16-27448987-C-A. GRCh37 (hg19) VCF-style: chr16-27460308-C-A.
Other names: c.1321C>A, p.Pro441Thr (NM_021798.4); c.1387C>A, p.Pro463Thr (NM_181079.5); short protein forms P463T, P441T.
Identifiers: ClinVar variation 960631 (VCV000960631.10), dbSNP rs756335632, ClinGen allele CA395308333.
Genomic context (GRCh38, chr16:27,448,987, plus strand): 5'-GCAGGGACCACAGTCCTGTCCTGTGGCTGTGTCTCAGCTGGCAGCCCTGGGCTAGGAGGG[C>A]CCCTGGGAAGCCTCCTGGACAGACTAAAGCCACCCCTTGCAGATGGGGAGGACTGGGCTG-3'
Protein context (NP_851564.1, residues 431-451): VSAGSPGLGG[Pro441Thr]LGSLLDRLKP

ClinVar aggregate classification (germline): Uncertain significance (1 of 4 stars; one submission).

Conditions:
Cryptosporidiosis-chronic cholangitis-liver disease syndrome. Also called: Immunodeficiency type 56; IL21R immunodeficiency. Identifiers: Orphanet 357329, MedGen C3554687, MONDO:0014082, OMIM 615207.

Allele frequency attached by ClinVar (database versions not stated): TOPMed below 0.00001.
gnomAD v4.1: 2 of 1,612,796 alleles (0.00012%); highest among the groups gnomAD compares: Admixed American, 0.0033%; no homozygotes.

Submission:

Labcorp Genetics (formerly Invitae), Labcorp
Classification: Uncertain significance for Cryptosporidiosis-chronic cholangitis-liver disease syndrome. Last evaluated: 2019-10-02. Review status: criteria provided, single submitter. Criteria: Invitae Variant Classification Sherloc (09022015). Collection method: clinical testing. Allele origin: germline.
Comment: In summary, the available evidence is currently insufficient to determine the role of this variant in disease. Therefore, it has been classified as a Variant of Uncertain Significance. Algorithms developed to predict the effect of missense changes on protein structure and function (SIFT, PolyPhen-2, Align-GVGD) all suggest that this variant is likely to be tolerated, but these predictions have not been confirmed by published functional studies and their clinical significance is uncertain. This variant has not been reported in the literature in individuals with IL21R-related conditions. This variant is not present in population databases (ExAC no frequency). This sequence change replaces proline with threonine at codon 441 of the IL21R protein (p.Pro441Thr). The proline residue is weakly conserved and there is a small physicochemical difference between proline and threonine.